The following is an entry in ClinVar:

NM_001330078.2(NRXN1):c.3365-109902_3365-109900dup

Gene: NRXN1 (neurexin 1; minus strand). Cytogenetic location: 2p16.3.
Variant type: Duplication.
Coding change: c.3365-109902_3365-109900dup on transcript NM_001330078.2 (MANE Select); 109902 bases into the intron before coding-DNA position 3365 through 109900 bases into the intron before coding-DNA position 3365, 3 bases duplicated (CGC; older notation c.3365-109902_3365-109900dupCGC).
Molecular consequence: intron variant. On other transcripts: inframe insertion (4).
Genome position (GRCh38, 1-based): chr2:50,346,870-50,346,872, GCG duplicated on the plus strand (CGC on the coding strand, the reverse complement: NRXN1 is on the minus strand). VCF-style (leftmost placement, unchanged base first): chr2-50346869-T-TGCG. GRCh37 (hg19) VCF-style: chr2-50574007-T-TGCG.
Other names: c.78_80dup, p.Ala27dup (NM_001330091.2, NM_001330092.2, NM_001330097.2 and 1 more transcripts); c.78_80dupCGC (NM_001330097.1); c.3254-109902_3254-109900dup (NM_001330096.2, NM_001330087.2); c.3299-109902_3299-109900dup (NM_001330083.2, NM_001330084.2); c.3284-109902_3284-109900dup (NM_001330088.2); c.3362-109902_3362-109900dup (NM_001330093.2); c.3353-109902_3353-109900dup (NM_001330094.2); c.3314-109902_3314-109900dup (NM_001330095.2); and 4 more.
Identifiers: ClinVar variation 512948 (VCV000512948.6), dbSNP rs1440459434, ClinGen allele CA532707781.
Genomic context (GRCh38, chr2:50,346,869, plus strand): 5'-CACTCCTAGGAGGCCGCTGAGGGTGAGCGGGACTATCCAAAGCAGGGCCAGGCGCCCCCC[T>TGCG]GCGCCGCCGCCGCCGCCGCCGCCGCCGCCGCCCCCGGGCGAGCCCAGCTCGGCGCCGCAC-3'

ClinVar aggregate classification (germline): Likely benign. Review status: criteria provided, multiple submitters, no conflicts (2 of 4 stars). 2 submissions from 2 submitters: Likely benign (2). Last evaluated 2025-06-25.

Conditions:
NRXN1-related disorder.

Allele frequency attached by ClinVar (database versions not stated): gnomAD exomes 0.00002; TOPMed 0.00003; gnomAD 0.00005 and 0.00006.

Submissions (2):

PreventionGenetics, part of Exact Sciences
Classification: Likely benign for NRXN1-related condition. Last evaluated: 2025-06-25. Review status: criteria provided, single submitter. Criteria: ACMG Guidelines, 2015. Collection method: clinical testing. Allele origin: germline.
Comment: This variant is classified as likely benign based on ACMG/AMP sequence variant interpretation guidelines (Richards et al. 2015 PMID: 25741868, with internal and published modifications).

GeneDx
Classification: Likely benign. Last evaluated: 2023-05-05. Review status: criteria provided, single submitter. Criteria: GeneDx Variant Classification Process June 2021. Collection method: clinical testing. Allele origin: germline. Affected: yes.
Comment: See Variant Classification Assertion Criteria.